The following is an entry in ClinVar:

GRCh38/hg38 5p15.2(chr5:13802199-14153452)x3

Genes: DNAH5 (dynein axonemal heavy chain 5; minus strand), DNAH5-AS1 (DNAH5 antisense RNA 1; plus strand), TRIO (trio Rho guanine nucleotide exchange factor; plus strand), LOC126807318 (MED14-independent group 3 enhancer GRCh37_chr5:13858976-13860175; plus strand), LOC126807319 (P300/CBP strongly-dependent group 1 enhancer GRCh37_chr5:14035876-14037075; plus strand) and 9 more. Cytogenetic location: 5p15.2.
Variant type: copy number gain.
Change: copy number 3 (three copies instead of two) of chr5:13,802,199-14,153,452 (351.3 kb, GRCh38 coordinates, 1-based), cytogenetic band 5p15.2.
Identifiers: ClinVar variation 144888 (VCV000144888.1).

ClinVar aggregate classification (germline): Benign/Likely benign (0 of 4 stars; one submission).

Submission:

GeneDx
Classification: Benign/Likely benign. Last evaluated: 2011-04-30. Review status: no assertion criteria provided. Collection method: clinical testing. Allele origin: not provided. Affected: yes. Observed: 5 variant alleles. Clinical features observed: Developmental delay AND/OR other significant developmental or morphological phenotypes.
Comment: Likely benign (1), Benign (4)